The following is an entry in ClinVar:

NM_001256627.2(BRSK2):c.1585G>A (p.Glu529Lys)

Gene: BRSK2 (BR serine/threonine kinase 2; plus strand). Cytogenetic location: 11p15.5.
Variant type: single nucleotide variant.
Coding change: c.1585G>A on transcript NM_001256627.2 (MANE Select); coding-DNA position 1585, G replaced by A.
Protein change: p.Glu529Lys; replaces glutamic acid 529 with lysine.
Molecular consequence: missense variant. On other transcripts: non-coding transcript variant (1).
Genome position (GRCh38, 1-based): chr11:1,454,525, G>A. VCF-style: chr11-1454525-G-A. GRCh37 (hg19) VCF-style: chr11-1475755-G-A.
Other names: c.1723G>A, p.Glu575Lys (NM_001256630.1); c.1405G>A, p.Glu469Lys (NM_001282218.2); c.1585G>A, p.Glu529Lys (NM_003957.4, NM_001256629.2); short protein forms E469K, E529K, E575K.
Identifiers: ClinVar variation 2662708 (VCV002662708.2), dbSNP rs2539738358, ClinGen allele CA379077868.
Genomic context (GRCh38, chr11:1,454,525, plus strand): 5'-CTCTGTCTCCCACTGCCCAGGCTGGCGAAGAAGTCCTGGTTTGGGAACTTCATCAGCCTG[G>A]AGAAGGAGGAGCAGATCTTCGTGGTCATCAAAGACAAACCTCTGAGCTCCATCAAGGCTG-3'
Protein context (NP_001243556.1, residues 519-539): KSWFGNFISL[Glu529Lys]KEEQIFVVIK

ClinVar aggregate classification (germline): Uncertain significance (1 of 4 stars; one submission).

Submission:

GeneDx
Classification: Uncertain significance. Last evaluated: 2024-12-03. Review status: criteria provided, single submitter. Criteria: GeneDx Variant Classification Process June 2021. Collection method: clinical testing. Allele origin: germline.
Comment: Has not been previously published as pathogenic or benign to our knowledge; Not observed at significant frequency in large population cohorts (gnomAD); In silico analysis supports that this missense variant has a deleterious effect on protein structure/function